The following is an entry in ClinVar:

ClinVar aggregate classification (germline): Likely benign. Review status: criteria provided, multiple submitters, no conflicts (2 of 4 stars). 3 submissions from 3 submitters: Likely benign (3). Last evaluated 2026-08-01.

Conditions:
LPIN1-related disorder. Also called: LPIN1-related condition.
Myoglobinuria, acute recurrent, autosomal recessive. Also called: MYOGLOBINURIA, FAMILIAL PAROXYSMAL PARALYTIC; RHABDOMYOLYSIS, ACUTE RECURRENT; Myoglobinuria, recurrent, autosomal recessive. Identifiers: Orphanet 99845, MedGen C1849386, MONDO:0009992, OMIM 268200.

gnomAD v4.1: 362 of 1,512,128 alleles (0.024%); highest among the groups gnomAD compares: East Asian, 0.82%; 3 homozygotes.

Submissions (3):

PreventionGenetics, part of Exact Sciences
Classification: Likely benign for LPIN1-related condition. Last evaluated: 2026-08-01. Review status: criteria provided, single submitter. Criteria: ACMG Guidelines, 2015. Collection method: clinical testing. Allele origin: germline.
Comment: This variant is classified as likely benign based on ACMG/AMP sequence variant interpretation guidelines (Richards et al. 2015 PMID: 25741868, with internal and published modifications).

ARUP Laboratories, Molecular Genetics and Genomics, ARUP Laboratories
Classification: Likely benign for Myoglobinuria, acute recurrent, autosomal recessive. Last evaluated: 2025-04-04. Review status: criteria provided, single submitter. Criteria: ARUP Molecular Germline Variant Investigation Process 2024. Collection method: clinical testing. Allele origin: germline.

Blueprint Genetics
Classification: Likely benign. Last evaluated: 2024-08-11. Review status: criteria provided, single submitter. Criteria: ACMG Guidelines, 2015. Collection method: clinical testing. Allele origin: germline.

NM_001349206.2(LPIN1):c.830+7G>A

Gene: LPIN1 (lipin 1; plus strand). Cytogenetic location: 2p25.1.
Variant type: single nucleotide variant.
Coding change: c.830+7G>A on transcript NM_001349206.2 (MANE Select); 7 bases into the intron after coding-DNA position 830, G replaced by A.
Molecular consequence: intron variant.
Genome position (GRCh38, 1-based): chr2:11,776,200, G>A. VCF-style: chr2-11776200-G-A. GRCh37 (hg19) VCF-style: chr2-11916326-G-A.
Other names: c.977+7G>A (NM_001261428.3, NM_001261428.1); c.869+2455G>A (NM_001349208.2); c.920+7G>A (NM_001349207.2); c.740+2455G>A (NM_001261427.3); c.830+7G>A (NM_001349204.2, NM_001349205.2); c.827+7G>A (NM_001349202.2, NM_001349203.2); c.722+2455G>A (NM_001349200.2, NM_001349199.2, NM_001349201.2 and 1 more transcripts).
Identifiers: ClinVar variation 4685731 (VCV004685731.3).